The following is an entry in ClinVar:

ClinVar aggregate classification (germline): Likely benign (1 of 4 stars; one submission).

Conditions:
SIPA1L3-related disorder. Also called: SIPA1L3-related condition.

gnomAD v4.1: 63 of 1,576,898 alleles (0.004%); highest among the groups gnomAD compares: South Asian, 0.0091%; no homozygotes.

Submission:

PreventionGenetics, part of Exact Sciences
Classification: Likely benign for SIPA1L3-related condition. Last evaluated: 2024-11-04. Review status: criteria provided, single submitter. Criteria: ACMG Guidelines, 2015. Collection method: clinical testing. Allele origin: germline.
Comment: This variant is classified as likely benign based on ACMG/AMP sequence variant interpretation guidelines (Richards et al. 2015 PMID: 25741868, with internal and published modifications).

NM_015073.3(SIPA1L3):c.4740G>A (p.Pro1580=)

Gene: SIPA1L3 (signal induced proliferation associated 1 like 3; plus strand). Cytogenetic location: 19q13.13.
Variant type: single nucleotide variant.
Coding change: c.4740G>A on transcript NM_015073.3 (MANE Select); coding-DNA position 4740, G replaced by A.
Protein change: p.Pro1580=; no amino-acid change (proline 1580 retained).
Molecular consequence: synonymous variant.
Genome position (GRCh38, 1-based): chr19:38,193,680, G>A. VCF-style: chr19-38193680-G-A. GRCh37 (hg19) VCF-style: chr19-38684320-G-A.
Identifiers: ClinVar variation 4981080 (VCV004981080.1).